The following is an entry in ClinVar:

NM_004628.4(XPC):c.-71C>T

Genes: XPC (XPC complex subunit, DNA damage recognition and repair factor; minus strand), LOC129936244 (ATAC-STARR-seq lymphoblastoid active region 19500; plus strand). Cytogenetic location: 3p25.1.
Variant type: single nucleotide variant.
Coding change: c.-71C>T on transcript NM_004628.4; 71 bases upstream of the start codon, C replaced by T.
Genome position (GRCh38, 1-based): chr3:14,178,639, G>A on the plus strand (C>T on the coding strand, the complement: XPC is on the minus strand). VCF-style: chr3-14178639-G-A. GRCh37 (hg19) VCF-style: chr3-14220139-G-A.
Identifiers: ClinVar variation 343591 (VCV000343591.9), dbSNP rs567196401, ClinGen allele CA2267899.

ClinVar aggregate classification (germline): Benign/Likely benign. Review status: criteria provided, multiple submitters, no conflicts (2 of 4 stars). 3 submissions from 3 submitters: Benign (2); Likely benign (1). Last evaluated 2021-12-05.

Conditions:
Xeroderma pigmentosum, group C (XPC). Also called: Xeroderma pigmentosum, complementation group C; XERODERMA PIGMENTOSUM III; XP, GROUP C; XPC-Related Xeroderma Pigmentosum. Identifiers: Orphanet 910, MedGen C2752147, MONDO:0010211, OMIM 278720.

Allele frequency attached by ClinVar (database versions not stated): 1000 Genomes Project 0.00399; gnomAD 0.00511 and 0.00560; ExAC 0.00176; TOPMed 0.00601; gnomAD exomes 0.00120.

Submissions (3):

Genome-Nilou Lab
Classification: Benign for Xeroderma pigmentosum, group C. Last evaluated: 2021-12-05. Review status: criteria provided, single submitter. Criteria: ACMG Guidelines, 2015. Collection method: clinical testing. Allele origin: germline. Affected: no.

GeneDx
Classification: Likely benign. Last evaluated: 2019-04-03. Review status: criteria provided, single submitter. Criteria: GeneDx Variant Classification Process June 2021. Collection method: clinical testing. Allele origin: germline. Affected: yes.

Illumina Laboratory Services, Illumina
Classification: Benign for Xeroderma pigmentosum, group C. Last evaluated: 2018-01-12. Review status: criteria provided, single submitter. Criteria: ICSL Variant Classification Criteria 13 December 2019. Collection method: clinical testing. Allele origin: germline.
Comment: This variant was observed in the ICSL laboratory as part of a predisposition screen in an ostensibly healthy population. It had not been previously curated by ICSL or reported in the Human Gene Mutation Database (HGMD: prior to June 1st, 2018), and was therefore a candidate for classification through an automated scoring system. Utilizing variant allele frequency, disease prevalence and penetrance estimates, and inheritance mode, an automated score was calculated to assess if this variant is too frequent to cause the disease. Based on the score and internal cut-off values, a variant classified as benign is not then subjected to further curation. The score for this variant resulted in a classification of benign for this disease.